The following is an entry in ClinVar:

NM_004260.4(RECQL4):c.2039T>G (p.Met680Arg)

Gene: RECQL4 (RecQ like helicase 4; minus strand). Cytogenetic location: 8q24.3.
Variant type: single nucleotide variant.
Coding change: c.2039T>G on transcript NM_004260.4 (MANE Select); coding-DNA position 2039, T replaced by G.
Protein change: p.Met680Arg; replaces methionine 680 with arginine.
Molecular consequence: missense variant. On other transcripts: non-coding transcript variant (3).
Genome position (GRCh38, 1-based): chr8:144,513,947, A>C on the plus strand (T>G on the coding strand, the complement: RECQL4 is on the minus strand). VCF-style: chr8-144513947-A-C. GRCh37 (hg19) VCF-style: chr8-145739331-A-C.
Other names: c.2039T>G, p.Met680Arg (NM_001413019.1, NM_001413036.1, NM_001413018.1); c.1943T>G, p.Met648Arg (NM_001413020.1, NM_001413017.1); c.968T>G, p.Met323Arg (NM_001413021.1, NM_001413022.1, NM_001413023.1 and 6 more transcripts); c.1910T>G, p.Met637Arg (NM_001413025.1); c.902T>G, p.Met301Arg (NM_001413027.1, NM_001413030.1, NM_001413032.1 and 1 more transcripts); c.1688T>G, p.Met563Arg (NM_001413029.1); c.770T>G, p.Met257Arg (NM_001413031.1); c.1907T>G, p.Met636Arg (NM_001413033.1); and 4 more; short protein forms M191R, M257R, M301R, M323R, M670R, M636R, M648R, M680R.
Identifiers: ClinVar variation 4628981 (VCV004628981.1).

ClinVar aggregate classification (germline): Uncertain significance (1 of 4 stars; one submission).

Conditions:
Inborn genetic diseases. Identifiers: MedGen C0950123, MeSH D030342.

Submission:

Ambry Genetics
Classification: Uncertain significance for Inborn genetic diseases. Last evaluated: 2025-11-25. Review status: criteria provided, single submitter. Criteria: Ambry Variant Classification Scheme 2023. Collection method: clinical testing. Allele origin: germline.
Comment: The p.M680R variant (also known as c.2039T>G), located in coding exon 12 of the RECQL4 gene, results from a T to G substitution at nucleotide position 2039. The methionine at codon 680 is replaced by arginine, an amino acid with similar properties. This amino acid position is conserved. In addition, this alteration is predicted to be tolerated by in silico analysis. Based on the available evidence, the clinical significance of this variant remains unclear.